The following is an entry in ClinVar:

NM_002472.3(MYH8):c.3895G>T (p.Ala1299Ser)

Genes: MYH8 (myosin heavy chain 8; minus strand), MYHAS (myosin heavy chain gene cluster antisense RNA; plus strand). Cytogenetic location: 17p13.1.
Variant type: single nucleotide variant.
Coding change: c.3895G>T on transcript NM_002472.3 (MANE Select); coding-DNA position 3895, G replaced by T.
Protein change: p.Ala1299Ser; replaces alanine 1299 with serine.
Molecular consequence: missense variant.
Genome position (GRCh38, 1-based): chr17:10,398,854, C>A on the plus strand (G>T on the coding strand, the complement: MYH8 is on the minus strand). VCF-style: chr17-10398854-C-A. GRCh37 (hg19) VCF-style: chr17-10302171-C-A.
Other names: short protein forms A1299S.
Identifiers: ClinVar variation 5020293 (VCV005020293.1).
Genomic context (GRCh38, chr17:10,398,854, plus strand): 5'-TCAGCTCTTCAATCTGCTGAGTAGATGCTTGCTTGCTCCTTGAAAGCTGAGAGACTAAAG[C>A]ATCTTTCTCATCTAATTGTCGAGAATATTCACCTAGGAATAATAGACATAAGGGAATTTT-3'
Protein context (NP_002463.2, residues 1289-1309): EYSRQLDEKD[Ala1299Ser]LVSQLSRSKQ

ClinVar aggregate classification (germline): Uncertain significance (1 of 4 stars; one submission).

gnomAD v4.1: 2 of 1,613,440 alleles (0.00012%); highest among the groups gnomAD compares: Non-Finnish European, 0.000085%; no homozygotes.

Submission:

Dasa
Classification: Uncertain significance. Last evaluated: 2026-06-27. Review status: criteria provided, single submitter. Criteria: DASA Assertion Criteria. Collection method: clinical testing. Allele origin: germline.
Comment: NM_002472.3(MYH8):c.3895G>T (p.Ala1299Ser) is a missense variant that results in the substitution of alanine with serine. This variant is rare in population databases. The currently available literature and clinical evidence are not sufficient to establish a definitive association between this variant and the reported condition. Therefore, this variant is classified as a variant of uncertain significance.